The following is an entry in ClinVar:

NM_000089.4(COL1A2):c.595-16A>G

Gene: COL1A2 (collagen type I alpha 2 chain; plus strand). Cytogenetic location: 7q21.3.
Variant type: single nucleotide variant.
Coding change: c.595-16A>G on transcript NM_000089.4 (MANE Select); 16 bases into the intron before coding-DNA position 595, A replaced by G.
Molecular consequence: intron variant.
Genome position (GRCh38, 1-based): chr7:94,407,831, A>G. VCF-style: chr7-94407831-A-G. GRCh37 (hg19) VCF-style: chr7-94037143-A-G.
Identifiers: ClinVar variation 681935 (VCV000681935.12), dbSNP rs143041120, ClinGen allele CA4346736.

ClinVar aggregate classification (germline): Likely benign. Review status: criteria provided, multiple submitters, no conflicts (2 of 4 stars). 4 submissions from 4 submitters: Likely benign (4). Last evaluated 2026-02-13.

Conditions:
Osteogenesis imperfecta type I (OI1). Also called: OI, TYPE I; OSTEOGENESIS IMPERFECTA TARDA; OSTEOGENESIS IMPERFECTA WITH BLUE SCLERAE; Osteogenesis imperfecta type 1; Classic Non-deforming Osteogenesis Imperfecta with Blue Sclerae; Lobstein's Disease. Identifiers: Orphanet 216796, Orphanet 666, MedGen C0023931, MONDO:0008146, OMIM 166200. Disease mechanism: loss of function.
Ehlers-Danlos syndrome, classic type, 1 (EDSCL1). Also called: EDS I; EHLERS-DANLOS SYNDROME, GRAVIS TYPE; EHLERS-DANLOS SYNDROME, SEVERE CLASSIC TYPE; Ehlers-Danlos Syndrome, Classic Type, COL5A1-Related; Ehlers-Danlos syndrome, type 1. Identifiers: MedGen C0268335, MONDO:0019567, OMIM 130000.

Allele frequency attached by ClinVar (database versions not stated): gnomAD exomes 0.00012 and 0.00004; TOPMed 0.00044; ESP Exome Variant Server 0.00046; gnomAD 0.00051 and 0.00050; 1000 Genomes Project 0.00080; 1000 Genomes Project 30x 0.00062; ExAC 0.00016.
gnomAD v4.1: 139 of 1,613,360 alleles (0.0086%); highest among the groups gnomAD compares: African/African-American, 0.14%; no homozygotes.

Submissions (4):

Women's Health and Genetics/Laboratory Corporation of America, LabCorp
Classification: Likely benign. Last evaluated: 2026-02-13. Review status: criteria provided, single submitter. Criteria: LabCorp Variant Classification Summary - May 2015. Collection method: clinical testing. Allele origin: germline.

Labcorp Genetics (formerly Invitae), Labcorp
Classification: Likely benign for Osteogenesis imperfecta type I; Ehlers-Danlos syndrome, classic type, 1. Last evaluated: 2025-12-16. Review status: criteria provided, single submitter. Criteria: Invitae Variant Classification Sherloc (09022015). Collection method: clinical testing. Allele origin: germline.

ARUP Laboratories, Molecular Genetics and Genomics, ARUP Laboratories
Classification: Likely benign. Last evaluated: 2022-09-16. Review status: criteria provided, single submitter. Criteria: ARUP Molecular Germline Variant Investigation Process 2021. Collection method: clinical testing. Allele origin: germline.

GeneDx
Classification: Likely benign. Last evaluated: 2018-04-06. Review status: criteria provided, single submitter. Criteria: GeneDx Variant Classification (06012015). Collection method: clinical testing. Allele origin: germline. Affected: yes.
Comment: This variant is considered likely benign or benign based on one or more of the following criteria: it is a conservative change, it occurs at a poorly conserved position in the protein, it is predicted to be benign by multiple in silico algorithms, and/or has population frequency not consistent with disease.